The following is an entry in ClinVar:

ClinVar aggregate classification (germline): Benign/Likely benign. Review status: criteria provided, multiple submitters, no conflicts (2 of 4 stars). 5 submissions from 5 submitters: Benign (1); Likely benign (4). Last evaluated 2025-04-11.

Conditions:
Hereditary cancer-predisposing syndrome. Also called: Hereditary neoplastic syndrome; Neoplastic Syndromes, Hereditary; Tumor predisposition; Hereditary Cancer Syndrome. Identifiers: Orphanet 140162, MedGen C0027672, MeSH D009386, MONDO:0015356.
Familial cancer of breast. Also called: BREAST CANCER, FAMILIAL; Hereditary breast cancer; hereditary breast carcinoma. Identifiers: Orphanet 227535, MedGen C0346153, MONDO:0016419, OMIM 114480. Disease mechanism: loss of function.

Allele frequency attached by ClinVar (database versions not stated): gnomAD exomes below 0.00001; TOPMed 0.00001; ESP Exome Variant Server 0.00008.
gnomAD v4.1: 8 of 1,614,202 alleles (0.0005%); highest among the groups gnomAD compares: Non-Finnish European, 0.00059%; no homozygotes.

Submissions (5):

Labcorp Genetics (formerly Invitae), Labcorp
Classification: Likely benign for Familial cancer of breast. Last evaluated: 2025-04-11. Review status: criteria provided, single submitter. Criteria: Invitae Variant Classification Sherloc (09022015). Collection method: clinical testing. Allele origin: germline.

Myriad Genetics, Inc.
Classification: Benign for Familial cancer of breast. Last evaluated: 2025-01-15. Review status: criteria provided, single submitter. Criteria: Myriad Autosomal Dominant, Autosomal Recessive and X-Linked Classification Criteria (2023). Collection method: clinical testing. Allele origin: unknown.
Comment: This variant is considered benign. This variant is a silent/synonymous amino acid change and it is not expected to impact splicing.

Women's Health and Genetics/Laboratory Corporation of America, LabCorp
Classification: Likely benign. Last evaluated: 2021-05-23. Review status: criteria provided, single submitter. Criteria: LabCorp Variant Classification Summary - May 2015. Collection method: clinical testing. Allele origin: germline.

Color Diagnostics, LLC DBA Color Health
Classification: Likely benign for Hereditary cancer-predisposing syndrome. Last evaluated: 2015-10-01. Review status: criteria provided, single submitter. Criteria: ACMG Guidelines, 2015. Collection method: clinical testing. Allele origin: germline.

Ambry Genetics
Classification: Likely benign for Hereditary cancer-predisposing syndrome. Last evaluated: 2015-06-30. Review status: criteria provided, single submitter. Criteria: Ambry Variant Classification Scheme 2023. Collection method: clinical testing. Allele origin: germline.

NM_024675.4(PALB2):c.1920A>T (p.Ser640=)

Gene: PALB2 (partner and localizer of BRCA2; minus strand). Cytogenetic location: 16p12.2.
Variant type: single nucleotide variant.
Coding change: c.1920A>T on transcript NM_024675.4 (MANE Select); coding-DNA position 1920, A replaced by T.
Protein change: p.Ser640=; no amino-acid change (serine 640 retained).
Molecular consequence: synonymous variant.
Genome position (GRCh38, 1-based): chr16:23,630,234, T>A on the plus strand (A>T on the coding strand, the complement: PALB2 is on the minus strand). VCF-style: chr16-23630234-T-A. GRCh37 (hg19) VCF-style: chr16-23641555-T-A.
Identifiers: ClinVar variation 184802 (VCV000184802.21), dbSNP rs375575311, ClinGen allele CA190088.